The following is an entry in ClinVar:

ClinVar aggregate classification (germline): Likely benign (1 of 4 stars; one submission).

Submission:

CeGaT Center for Human Genetics Tuebingen
Classification: Likely benign. Last evaluated: 2026-07-01. Review status: criteria provided, single submitter. Criteria: CeGaT Center For Human Genetics Tuebingen Variant Classification Criteria Version 2. Collection method: clinical testing. Allele origin: germline. Affected: yes. Observed: 1 variant allele.
Comment: SNAPC4: PM2:Supporting, BP4, BP7

NM_003086.4(SNAPC4):c.2121T>C (p.Ser707=)

Gene: SNAPC4 (small nuclear RNA activating complex polypeptide 4; minus strand). Cytogenetic location: 9q34.3.
Variant type: single nucleotide variant.
Coding change: c.2121T>C on transcript NM_003086.4 (MANE Select); coding-DNA position 2121, T replaced by C.
Protein change: p.Ser707=; no amino-acid change (serine 707 retained).
Molecular consequence: synonymous variant. On other transcripts: intron variant (2).
Genome position (GRCh38, 1-based): chr9:136,382,020, A>G on the plus strand (T>C on the coding strand, the complement: SNAPC4 is on the minus strand). VCF-style: chr9-136382020-A-G. GRCh37 (hg19) VCF-style: chr9-139276472-A-G.
Other names: c.2121T>C, p.Ser707= (NM_001394201.1); c.2068-31T>C (NM_001394203.1, NM_001394202.1).
Identifiers: ClinVar variation 5040157 (VCV005040157.1).